The following is an entry in ClinVar:

NM_001099922.3(ALG13):c.2305C>T (p.Arg769Trp)

Gene: ALG13 (ALG13 UDP-N-acetylglucosaminyltransferase subunit; plus strand). Cytogenetic location: Xq23.
Variant type: single nucleotide variant.
Coding change: c.2305C>T on transcript NM_001099922.3 (MANE Select); coding-DNA position 2305, C replaced by T.
Protein change: p.Arg769Trp; replaces arginine 769 with tryptophan.
Molecular consequence: missense variant. On other transcripts: non-coding transcript variant (1).
Genome position (GRCh38, 1-based): chrX:111,728,242, C>T. VCF-style: chrX-111728242-C-T. GRCh37 (hg19) VCF-style: chrX-110971470-C-T.
Other names: c.1993C>T, p.Arg665Trp (NM_001257230.2, NM_001257234.2, NM_001257237.2); c.2071C>T, p.Arg691Trp (NM_001257231.2); c.2305C>T, p.Arg769Trp (NM_001324292.2); c.1819C>T, p.Arg607Trp (NM_001324293.1); short protein forms R691W, R607W, R769W, R665W.
Identifiers: ClinVar variation 2040537 (VCV002040537.6), dbSNP rs763832124, ClinGen allele CA10493859.

ClinVar aggregate classification (germline): Likely benign. Review status: criteria provided, single submitter (1 of 4 stars). 2 submissions from 2 submitters: Likely benign (1). 1 of the submissions does not count toward it. Last evaluated 2025-04-14.

Conditions:
Developmental and epileptic encephalopathy, 36 (DEE36). Also called: Epileptic encephalopathy, early infantile, 36; ALG13-CDG; Congenital disorder of glycosylation, type Is. Identifiers: Orphanet 324422, MedGen C4317295, MONDO:0010472, OMIM 300884.

Allele frequency attached by ClinVar (database versions not stated): TOPMed below 0.00001; ExAC 0.00002; gnomAD exomes 0.00002.
gnomAD v4.1: 19 of 1,210,816 alleles (0.0016%); highest among the groups gnomAD compares: Admixed American, 0.0065%; no homozygotes.

Submissions (3):

Labcorp Genetics (formerly Invitae), Labcorp
Classification: Likely benign for Developmental and epileptic encephalopathy, 36. Last evaluated: 2025-04-14. Review status: criteria provided, single submitter. Criteria: Invitae Variant Classification Sherloc (09022015). Collection method: clinical testing. Allele origin: germline.

Solve-RD Consortium
Classification: Likely pathogenic for Developmental and epileptic encephalopathy, 36. Last evaluated: 2022-06-01. Review status: no assertion criteria provided. Collection method: provider interpretation. Allele origin: inherited. Affected: yes. Not counted in ClinVar's aggregate classification.
Comment: Variant confirmed as disease-causing by referring clinical team

Variant identified during reanalysis of unsolved cases by the Solve-RD project. The Solve-RD project has received funding from the European Union’s Horizon 2020 research and innovation programme under grant agreement No 779257.

Dr. Peter K. Rogan Lab, Western University
No classification provided (evidence only). Condition: Nonpapillary renal cell carcinoma. Review status: no classification provided. Collection method: in vitro. Allele origin: not applicable. Functional consequence: skipped exon. Not counted in ClinVar's aggregate classification.

Literature cited by the submitters: PubMed 39825153 (cited by Solve-RD Consortium).